The following is an entry in ClinVar:

ClinVar aggregate classification (germline): Benign. Review status: criteria provided, multiple submitters, no conflicts (2 of 4 stars). 3 submissions from 3 submitters: Benign (3). Last evaluated 2026-01-28.

Conditions:
Hereditary spastic paraplegia 53. Also called: Spastic paraplegia 53, autosomal recessive. Identifiers: Orphanet 319199, MedGen C3539494, MONDO:0013962, OMIM 614898.

Allele frequency attached by ClinVar (database versions not stated): 1000 Genomes Project 30x 0.00453; 1000 Genomes Project 0.00459; TOPMed 0.01183; gnomAD 0.01196 and 0.01240; gnomAD exomes 0.01205; ExAC 0.01321; ESP Exome Variant Server 0.01385.
gnomAD v4.1: 25,024 of 1,528,132 alleles (1.6%); highest among the groups gnomAD compares: Non-Finnish European, 2%; 277 homozygotes.

Submissions (3):

Labcorp Genetics (formerly Invitae), Labcorp
Classification: Benign for Hereditary spastic paraplegia 53. Last evaluated: 2026-01-28. Review status: criteria provided, single submitter. Criteria: Invitae Variant Classification Sherloc (09022015). Collection method: clinical testing. Allele origin: germline.

GeneDx
Classification: Benign. Last evaluated: 2016-07-14. Review status: criteria provided, single submitter. Criteria: GeneDx Variant Classification (06012015). Collection method: clinical testing. Allele origin: germline. Affected: yes.
Comment: This variant is considered likely benign or benign based on one or more of the following criteria: it is a conservative change, it occurs at a poorly conserved position in the protein, it is predicted to be benign by multiple in silico algorithms, and/or has population frequency not consistent with disease.

Breakthrough Genomics
Classification: Benign. Review status: criteria provided, single submitter. Criteria: ACMG Guidelines, 2015. Collection method: not provided. Allele origin: germline. Inheritance: Autosomal recessive inheritance. Affected: yes.

NM_152415.3(VPS37A):c.316-17T>C

Gene: VPS37A (VPS37A subunit of ESCRT-I; plus strand). Cytogenetic location: 8p22.
Variant type: single nucleotide variant.
Coding change: c.316-17T>C on transcript NM_152415.3 (MANE Select); 17 bases into the intron before coding-DNA position 316, T replaced by C.
Molecular consequence: intron variant.
Genome position (GRCh38, 1-based): chr8:17,268,839, T>C. VCF-style: chr8-17268839-T-C. GRCh37 (hg19) VCF-style: chr8-17126348-T-C.
Other names: c.46-17T>C (NM_001363172.2, NM_001363168.1, NM_001363170.1 and 2 more transcripts); c.316-17T>C (NM_001363173.2, NM_001363167.1); c.241-17T>C (NM_001145152.2).
Identifiers: ClinVar variation 380929 (VCV000380929.10), dbSNP rs117165264, ClinGen allele CA4643267.
Genomic context (GRCh38, chr8:17,268,839, plus strand): 5'-AGAGTGACATTATCCTAATGAGACTTTATAATCTTTTTCTGGAAGTGATTTTAAGCGTCA[T>C]GTATTGTTACTTTCAGTTTACAATGCACTCAGATCTTGGAAAAATTATTCAGAGTCTGTT-3'